The following is an entry in ClinVar:

ClinVar aggregate classification (germline): Likely benign. Review status: criteria provided, multiple submitters, no conflicts (2 of 4 stars). 2 submissions from 2 submitters: Likely benign (2). Last evaluated 2025-12-20.

Submissions (2):

Labcorp Genetics (formerly Invitae), Labcorp
Classification: Likely benign. Last evaluated: 2025-12-20. Review status: criteria provided, single submitter. Criteria: Invitae Variant Classification Sherloc (09022015). Collection method: clinical testing. Allele origin: germline.

GeneDx
Classification: Likely benign. Last evaluated: 2016-05-24. Review status: criteria provided, single submitter. Criteria: GeneDx Variant Classification (06012015). Collection method: clinical testing. Allele origin: germline. Affected: yes.
Comment: This variant is considered likely benign or benign based on one or more of the following criteria: it is a conservative change, it occurs at a poorly conserved position in the protein, it is predicted to be benign by multiple in silico algorithms, and/or has population frequency not consistent with disease.

NM_024876.4(COQ8B):c.1035+7_1035+8inv

Gene: COQ8B (coenzyme Q8B; minus strand). Cytogenetic location: 19q13.2.
Variant type: Inversion.
Coding change: c.1035+7_1035+8inv on transcript NM_024876.4 (MANE Select).
Molecular consequence: intron variant.
Genome position: GRCh38 VCF-style: chr19-40700302-CA-TG. GRCh37 (hg19) VCF-style: chr19-41206207-CA-TG.
Other names: c.912+7_912+8inv (NM_001142555.3).
Identifiers: ClinVar variation 421229 (VCV000421229.8), ClinGen allele CA16620846.